The following is an entry in ClinVar:

NM_000944.5(PPP3CA):c.115G>A (p.Gly39Arg)

Gene: PPP3CA (protein phosphatase 3 catalytic subunit alpha; minus strand). Cytogenetic location: 4q24.
Variant type: single nucleotide variant.
Coding change: c.115G>A on transcript NM_000944.5 (MANE Select); coding-DNA position 115, G replaced by A.
Protein change: p.Gly39Arg; replaces glycine 39 with arginine.
Molecular consequence: missense variant.
Genome position (GRCh38, 1-based): chr4:101,196,060, C>T on the plus strand (G>A on the coding strand, the complement: PPP3CA is on the minus strand). VCF-style: chr4-101196060-C-T. GRCh37 (hg19) VCF-style: chr4-102117217-C-T.
Other names: c.115G>A, p.Gly39Arg (NM_001130691.2, NM_001130692.2); short protein forms G39R.
Identifiers: ClinVar variation 4880944 (VCV004880944.2).

ClinVar aggregate classification (germline): Uncertain significance (1 of 4 stars; one submission).

Submission:

Dasa
Classification: Uncertain significance. Last evaluated: 2025-07-28. Review status: criteria provided, single submitter. Criteria: DASA Assertion Criteria. Collection method: clinical testing. Allele origin: germline.
Comment: NM_000944.5(PPP3CA):c.115G>A (p.Gly39Arg) is a missense variant that results in the substitution of glycine with arginine. This variant is absent from population databases. Computational prediction algorithms are consistent with a benign effect. The currently available literature and clinical evidence are not sufficient to establish a definitive association between this variant and the reported condition. Therefore, this variant is classified as a variant of uncertain significance.